The following is an entry in ClinVar:

NM_004168.4(SDHA):c.1552-3C>T

Gene: SDHA (succinate dehydrogenase complex flavoprotein subunit A; plus strand). Cytogenetic location: 5p15.33.
Variant type: single nucleotide variant.
Coding change: c.1552-3C>T on transcript NM_004168.4 (MANE Select); 3 bases into the intron before coding-DNA position 1552, C replaced by T.
Molecular consequence: intron variant.
Genome position (GRCh38, 1-based): chr5:250,989, C>T. VCF-style: chr5-250989-C-T. GRCh37 (hg19) VCF-style: chr5-251104-C-T.
Other names: c.1552-3404C>T (NM_001330758.2); c.1408-3C>T (NM_001294332.2).
Identifiers: ClinVar variation 539685 (VCV000539685.15), dbSNP rs1222778933, ClinGen allele CA557102395.

ClinVar aggregate classification (germline): Uncertain significance. Review status: criteria provided, multiple submitters, no conflicts (2 of 4 stars). 2 submissions from 2 submitters: Uncertain significance (2). Last evaluated 2025-12-16.

Conditions:
Hereditary cancer-predisposing syndrome. Also called: Neoplastic Syndromes, Hereditary; Tumor predisposition; Hereditary neoplastic syndrome; Hereditary Cancer Syndrome. Identifiers: Orphanet 140162, MedGen C0027672, MeSH D009386, MONDO:0015356.
Mitochondrial complex II deficiency, nuclear type 1. Also called: SUCCINATE CoQ REDUCTASE DEFICIENCY. Identifiers: Orphanet 3208, MedGen C5700310, MONDO:0100294, OMIM 252011.
Pheochromocytoma/paraganglioma syndrome 5. Also called: Paragangliomas 5; SDHA-Related Hereditary Paraganglioma-Pheochromocytoma Syndrome. Identifiers: Orphanet 29072, MedGen C3279992, MONDO:0013602, OMIM 614165.

Allele frequency attached by ClinVar (database versions not stated): gnomAD exomes below 0.00001; TOPMed below 0.00001; gnomAD 0.00001.
gnomAD v4.1: 3 of 1,610,908 alleles (0.00019%); highest among the groups gnomAD compares: Admixed American, 0.0033%; no homozygotes.

Submissions (2):

Ambry Genetics
Classification: Uncertain significance for Hereditary cancer-predisposing syndrome. Last evaluated: 2025-12-16. Review status: criteria provided, single submitter. Criteria: Ambry Variant Classification Scheme 2023. Collection method: clinical testing. Allele origin: germline.
Comment: The c.1552-3C>T intronic variant results from a C to T substitution 3 nucleotides upstream from coding exon 12 in the SDHA gene. This nucleotide position is not well conserved in available vertebrate species. In silico splice site analysis predicts that this alteration will not have any significant effect on splicing; however, direct evidence is insufficient at this time (Ambry internal data). Since supporting evidence is limited at this time, the clinical significance of this alteration remains unclear.

Labcorp Genetics (formerly Invitae), Labcorp
Classification: Uncertain significance for Pheochromocytoma/paraganglioma syndrome 5; Mitochondrial complex II deficiency, nuclear type 1. Last evaluated: 2023-05-18. Review status: criteria provided, single submitter. Criteria: Invitae Variant Classification Sherloc (09022015). Collection method: clinical testing. Allele origin: germline.
Comment: This variant has not been reported in the literature in individuals affected with SDHA-related conditions. This variant is present in population databases (no rsID available, gnomAD 0.003%). This sequence change falls in intron 11 of the SDHA gene. It does not directly change the encoded amino acid sequence of the SDHA protein. It affects a nucleotide within the consensus splice site. In summary, the available evidence is currently insufficient to determine the role of this variant in disease. Therefore, it has been classified as a Variant of Uncertain Significance. Variants that disrupt the consensus splice site are a relatively common cause of aberrant splicing (PMID: 17576681, 9536098). Algorithms developed to predict the effect of sequence changes on RNA splicing suggest that this variant is not likely to affect RNA splicing. ClinVar contains an entry for this variant (Variation ID: 539685).

Literature cited by the submitters: PubMed 17576681 (cited by Labcorp Genetics (formerly Invitae), Labcorp); PubMed 9536098 (cited by Labcorp Genetics (formerly Invitae), Labcorp).